The following is an entry in ClinVar:

NM_001183.6(ATP6AP1):c.65G>T (p.Arg22Leu)

Gene: ATP6AP1 (ATPase H+ transporting accessory protein 1; plus strand). Cytogenetic location: Xq28.
Variant type: single nucleotide variant.
Coding change: c.65G>T on transcript NM_001183.6 (MANE Select); coding-DNA position 65, G replaced by T.
Protein change: p.Arg22Leu; replaces arginine 22 with leucine.
Molecular consequence: missense variant.
Genome position (GRCh38, 1-based): chrX:154,428,757, G>T. VCF-style: chrX-154428757-G-T. GRCh37 (hg19) VCF-style: chrX-153657103-G-T.
Other names: short protein forms R22L.
Identifiers: ClinVar variation 2069928 (VCV002069928.4), dbSNP rs781970321, ClinGen allele CA10562501.
Genomic context (GRCh38, chrX:154,428,757, plus strand): 5'-TGGCGGCCATGGCGACGGCTCGAGTGCGGATGGGGCCGCGGTGCGCCCAGGCGCTCTGGC[G>T]CATGCCGTGGCTGCCGGTGTTTTTGTCGTTGGCGGCGGCGGCGGCGGCGGCAGCGGCGGA-3'
Protein context (NP_001174.2, residues 12-32): MGPRCAQALW[Arg22Leu]MPWLPVFLSL

ClinVar aggregate classification (germline): Uncertain significance (1 of 4 stars; one submission).

Allele frequency attached by ClinVar (database versions not stated): gnomAD 0.00002; ExAC 0.00012; 1000 Genomes Project 0.00053; 1000 Genomes Project 30x 0.00062.

Submission:

Labcorp Genetics (formerly Invitae), Labcorp
Classification: Uncertain significance. Last evaluated: 2025-01-08. Review status: criteria provided, single submitter. Criteria: Invitae Variant Classification Sherloc (09022015). Collection method: clinical testing. Allele origin: germline.
Comment: This sequence change replaces arginine, which is basic and polar, with leucine, which is neutral and non-polar, at codon 22 of the ATP6AP1 protein (p.Arg22Leu). The frequency data for this variant in the population databases is considered unreliable, as metrics indicate poor data quality at this position in the gnomAD database. This variant has not been reported in the literature in individuals affected with ATP6AP1-related conditions. ClinVar contains an entry for this variant (Variation ID: 2069928). An algorithm developed to predict the effect of missense changes on protein structure and function outputs the following: PolyPhen-2: "Benign". The leucine amino acid residue is found in multiple mammalian species, which suggests that this missense change does not adversely affect protein function. In summary, the available evidence is currently insufficient to determine the role of this variant in disease. Therefore, it has been classified as a Variant of Uncertain Significance.